The following is an entry in ClinVar:

NM_001330691.3(CEP78):c.1999A>G (p.Arg667Gly)

Gene: CEP78 (centrosomal protein 78; plus strand). Cytogenetic location: 9q21.2.
Variant type: single nucleotide variant.
Coding change: c.1999A>G on transcript NM_001330691.3 (MANE Select); coding-DNA position 1999, A replaced by G.
Protein change: p.Arg667Gly; replaces arginine 667 with glycine.
Molecular consequence: missense variant.
Genome position (GRCh38, 1-based): chr9:78,266,595, A>G. VCF-style: chr9-78266595-A-G. GRCh37 (hg19) VCF-style: chr9-80881511-A-G.
Other names: c.2002A>G, p.Arg668Gly (NM_001098802.3, NM_001349839.2); c.1951A>G, p.Arg651Gly (NM_001330693.3, NM_001330694.2); c.1999A>G, p.Arg667Gly (NM_001349838.2); c.1954A>G, p.Arg652Gly (NM_001349840.2, NM_032171.3); short protein forms R652G, R667G, R668G, R651G.
Identifiers: ClinVar variation 955201 (VCV000955201.7), dbSNP rs375770863, ClinGen allele CA5095405.
Genomic context (GRCh38, chr9:78,266,595, plus strand): 5'-AACAACCTAGGAGTCCCAGCTACTGAGCAGCGGCAGGAGTCTTTTGAAGGATTCATTGCT[A>G]GAATGTGTTCTCCTTCACCAGATGCGACTTCTGGAACTGGAAGTCAAAGAAAAGAAGAGG-3'
Protein context (NP_001317620.1, residues 657-677): RQESFEGFIA[Arg667Gly]MCSPSPDATS

ClinVar aggregate classification (germline): Conflicting classifications of pathogenicity. Review status: criteria provided, conflicting classifications (1 of 4 stars). 2 submissions from 2 submitters: Uncertain significance (1); Likely benign (1). Last evaluated 2024-12-02.

Allele frequency attached by ClinVar (database versions not stated): gnomAD exomes 0.00002 and 0.00005; ExAC 0.00009; ESP Exome Variant Server 0.00017; gnomAD 0.00023; TOPMed 0.00034; 1000 Genomes Project 0.00060; 1000 Genomes Project 30x 0.00062.
gnomAD v4.1: 72 of 1,613,734 alleles (0.0045%); highest among the groups gnomAD compares: African/African-American, 0.083%; no homozygotes.

Submissions (2):

Labcorp Genetics (formerly Invitae), Labcorp
Classification: Uncertain significance. Last evaluated: 2024-12-02. Review status: criteria provided, single submitter. Criteria: Invitae Variant Classification Sherloc (09022015). Collection method: clinical testing. Allele origin: germline.
Comment: This sequence change replaces arginine, which is basic and polar, with glycine, which is neutral and non-polar, at codon 668 of the CEP78 protein (p.Arg668Gly). This variant is present in population databases (rs375770863, gnomAD 0.09%). This variant has not been reported in the literature in individuals affected with CEP78-related conditions. ClinVar contains an entry for this variant (Variation ID: 955201). An algorithm developed to predict the effect of missense changes on protein structure and function (PolyPhen-2) suggests that this variant¬†is likely to be tolerated. In summary, the available evidence is currently insufficient to determine the role of this variant in disease. Therefore, it has been classified as a Variant of Uncertain Significance.

Blueprint Genetics
Classification: Likely benign. Last evaluated: 2024-11-12. Review status: criteria provided, single submitter. Criteria: ACMG Guidelines, 2015. Collection method: clinical testing. Allele origin: germline.